The following is an entry in ClinVar:

ClinVar aggregate classification (germline): Likely benign. Review status: criteria provided, single submitter (1 of 4 stars). 2 submissions from 2 submitters: Likely benign (1). 1 of the submissions does not count toward it. Last evaluated 2023-12-14.

Conditions:
VPS13B-related disorder. Also called: VPS13B-related condition.
Cohen syndrome (COH1). Also called: PEPPER SYNDROME; Cutis verticis gyrata, retinitis pigmentosa, and sensorineural deafness. Identifiers: Orphanet 193, MedGen C0265223, MONDO:0008999, OMIM 216550.

Allele frequency attached by ClinVar (database versions not stated): gnomAD 0.00001.
gnomAD v4.1: 4 of 1,614,016 alleles (0.00025%); highest among the groups gnomAD compares: African/African-American, 0.0053%; no homozygotes.

Submissions (2):

Labcorp Genetics (formerly Invitae), Labcorp
Classification: Likely benign for Cohen syndrome. Last evaluated: 2023-12-14. Review status: criteria provided, single submitter. Criteria: Invitae Variant Classification Sherloc (09022015). Collection method: clinical testing. Allele origin: germline.

PreventionGenetics, part of Exact Sciences
Classification: Likely benign for VPS13B-related condition. Last evaluated: 2022-05-26. Review status: no assertion criteria provided. Collection method: clinical testing. Allele origin: germline. Not counted in ClinVar's aggregate classification.
Comment: This variant is classified as likely benign based on ACMG/AMP sequence variant interpretation guidelines (Richards et al. 2015 PMID: 25741868, with internal and published modifications).

NM_152564.5(VPS13B):c.2536C>T (p.Leu846=)

Gene: VPS13B (vacuolar protein sorting 13 homolog B; plus strand). Cytogenetic location: 8q22.2.
Variant type: single nucleotide variant.
Coding change: c.2536C>T on transcript NM_152564.5 (MANE Select); coding-DNA position 2536, C replaced by T.
Protein change: p.Leu846=; no amino-acid change (leucine 846 retained).
Molecular consequence: synonymous variant.
Genome position (GRCh38, 1-based): chr8:99,274,218, C>T. VCF-style: chr8-99274218-C-T. GRCh37 (hg19) VCF-style: chr8-100286446-C-T.
Other names: c.2536C>T, p.Leu846= (NM_017890.5); c.2536C>T (NM_152564.4).
Identifiers: ClinVar variation 1585035 (VCV001585035.9), dbSNP rs934545731, ClinGen allele CA182929580.
Genomic context (GRCh38, chr8:99,274,218, plus strand): 5'-AATTCAATCGGCTAGTACATTTGCAGTTTTCTTTTATTAGGTGTGAAATCTAAGAATCCC[C>T]TGCCAACTCTTGAGGGCTCAATCCAGAATGTTGAATTGAAGTACTGCAGCACATCATTGG-3'
Protein context (NP_689777.3, residues 836-856): LSIGVKSKNP[Leu846=]PTLEGSIQNV